The following is an entry in ClinVar:

ClinVar aggregate classification (germline): Uncertain significance. Review status: criteria provided, multiple submitters, no conflicts (2 of 4 stars). 2 submissions from 2 submitters: Uncertain significance (2). Last evaluated 2023-11-20.

Conditions:
Legius syndrome. Identifiers: Orphanet 137605, MedGen C1969623, MONDO:0012669, OMIM 611431. Disease mechanism: loss of function.

Allele frequency attached by ClinVar (database versions not stated): TOPMed 0.00001.

Submissions (2):

Labcorp Genetics (formerly Invitae), Labcorp
Classification: Uncertain significance for Legius syndrome. Last evaluated: 2023-11-20. Review status: criteria provided, single submitter. Criteria: Invitae Variant Classification Sherloc (09022015). Collection method: clinical testing. Allele origin: germline.
Comment: This sequence change replaces cysteine, which is neutral and slightly polar, with phenylalanine, which is neutral and non-polar, at codon 74 of the SPRED1 protein (p.Cys74Phe). This variant is not present in population databases (gnomAD no frequency). This missense change has been observed in individual(s) with clinical features of Legius syndrome (PMID: 19920235). ClinVar contains an entry for this variant (Variation ID: 468795). Advanced modeling performed at Invitae incorporating data from internal and/or published experimental studies (Invitae) indicates that this missense variant is not expected to disrupt SPRED1 function with a negative predictive value of 95%. Experimental studies have shown that this missense change does not substantially affect SPRED1 function (PMID: 19920235, 26635368). In summary, the available evidence is currently insufficient to determine the role of this variant in disease. Therefore, it has been classified as a Variant of Uncertain Significance.

Women's Health and Genetics/Laboratory Corporation of America, LabCorp
Classification: Uncertain significance. Last evaluated: 2023-10-10. Review status: criteria provided, single submitter. Criteria: LabCorp Variant Classification Summary - May 2015. Collection method: clinical testing. Allele origin: germline.
Comment: Variant summary: SPRED1 c.221G>T (p.Cys74Phe) results in a non-conservative amino acid change located in the WH1/EVH1 domain (IPR000697) of the encoded protein sequence. Five of five in-silico tools predict a damaging effect of the variant on protein function. The variant was absent in 251148 control chromosomes. The available data on variant occurrences in the general population are insufficient to allow any conclusion about variant significance. c.221G>T has been reported in the literature in a proband affected with Neurofibromatosis Type 1-Like Syndrome (Legius Syndrome) and in the proband's asymptomatic mother (e.g. Messiaen_2009). These report(s) do not provide unequivocal conclusions about association of the variant with Neurofibromatosis Type 1-Like Syndrome (Legius Syndrome). Two publications report experimental evidence in vitro suggesting the variant does not alter protein function, without evidence to establish effect in disease setting, allowing no convincing conclusions about the variant effect (e.g. Messaien_2009, Hirata_2016). The following publications have been ascertained in the context of this evaluation (PMID: 31401120, 26635368, 19920235). One submitter has cited clinical-significance assessments for this variant to ClinVar after 2014 and has classified the variant as uncertain significance. Based on the evidence outlined above, the variant was classified as uncertain significance.

Literature cited by the submitters: PubMed 19920235 (cited by Labcorp Genetics (formerly Invitae), Labcorp and Women's Health and Genetics/Laboratory Corporation of America, LabCorp); PubMed 26635368 (cited by Labcorp Genetics (formerly Invitae), Labcorp and Women's Health and Genetics/Laboratory Corporation of America, LabCorp); PubMed 31401120 (cited by Women's Health and Genetics/Laboratory Corporation of America, LabCorp).

NM_152594.3(SPRED1):c.221G>T (p.Cys74Phe)

Gene: SPRED1 (sprouty related EVH1 domain containing 1; plus strand). Cytogenetic location: 15q14.
Variant type: single nucleotide variant.
Coding change: c.221G>T on transcript NM_152594.3 (MANE Select); coding-DNA position 221, G replaced by T.
Protein change: p.Cys74Phe; replaces cysteine 74 with phenylalanine.
Molecular consequence: missense variant.
Genome position (GRCh38, 1-based): chr15:38,322,254, G>T. VCF-style: chr15-38322254-G-T. GRCh37 (hg19) VCF-style: chr15-38614455-G-T.
Other names: short protein forms C74F.
Identifiers: ClinVar variation 468795 (VCV000468795.10), dbSNP rs1412213561, ClinGen allele CA391931906.